The following is an entry in ClinVar:

NM_001142864.4(PIEZO1):c.1375C>T (p.Arg459Cys)

Genes: HSALR1 (HSP90AB1 associated lncRNA 1; plus strand), PIEZO1 (piezo type mechanosensitive ion channel component 1 (Er blood group); minus strand). Cytogenetic location: 16q24.3.
Variant type: single nucleotide variant.
Coding change: c.1375C>T on transcript NM_001142864.4 (MANE Select); coding-DNA position 1375, C replaced by T.
Protein change: p.Arg459Cys; replaces arginine 459 with cysteine.
Molecular consequence: missense variant.
Genome position (GRCh38, 1-based): chr16:88,736,330, G>A on the plus strand (C>T on the coding strand, the complement: PIEZO1 is on the minus strand). VCF-style: chr16-88736330-G-A. GRCh37 (hg19) VCF-style: chr16-88802738-G-A.
Other names: p.Arg459Cys; c.1375C>T (NM_001142864.2); short protein forms R459C.
Identifiers: ClinVar variation 2419253 (VCV002419253.8), dbSNP rs752473164, ClinGen allele CA8233011.

ClinVar aggregate classification (germline): Conflicting classifications of pathogenicity. Review status: criteria provided, conflicting classifications (1 of 4 stars). 3 submissions from 3 submitters: Uncertain significance (2); Benign (1). Last evaluated 2025-03-10.

Allele frequency attached by ClinVar (database versions not stated): gnomAD 0.00001; gnomAD exomes 0.00002; TOPMed 0.00002; ExAC 0.00005.

Submissions (3):

Labcorp Genetics (formerly Invitae), Labcorp
Classification: Benign. Last evaluated: 2025-03-10. Review status: criteria provided, single submitter. Criteria: Invitae Variant Classification Sherloc (09022015). Collection method: clinical testing. Allele origin: germline.

Revvity Omics, Revvity
Classification: Uncertain significance. Last evaluated: 2023-10-18. Review status: criteria provided, single submitter. Criteria: ACMG Guidelines, 2015. Collection method: clinical testing. Allele origin: germline.

Mayo Clinic Laboratories, Mayo Clinic
Classification: Uncertain significance. Last evaluated: 2023-01-13. Review status: criteria provided, single submitter. Criteria: ACMG Guidelines, 2015. Collection method: clinical testing. Allele origin: germline. Observed: 1 variant allele.
Comment: PM2